The following is an entry in ClinVar:

NM_015164.4(PLEKHM2):c.1775A>G (p.His592Arg)

Gene: PLEKHM2 (pleckstrin homology and RUN domain containing M2; plus strand). Cytogenetic location: 1p36.21.
Variant type: single nucleotide variant.
Coding change: c.1775A>G on transcript NM_015164.4 (MANE Select); coding-DNA position 1775, A replaced by G.
Protein change: p.His592Arg; replaces histidine 592 with arginine.
Molecular consequence: missense variant.
Genome position (GRCh38, 1-based): chr1:15,728,093, A>G. VCF-style: chr1-15728093-A-G. GRCh37 (hg19) VCF-style: chr1-16054588-A-G.
Other names: c.1715A>G, p.His572Arg (NM_001410755.1); short protein forms H572R, H592R.
Identifiers: ClinVar variation 2084262 (VCV002084262.4), dbSNP rs1039237522, ClinGen allele CA18300637.

ClinVar aggregate classification (germline): Uncertain significance (1 of 4 stars; one submission).

Allele frequency attached by ClinVar (database versions not stated): gnomAD exomes below 0.00001; gnomAD 0.00001; TOPMed 0.00001.
gnomAD v4.1: 2 of 1,610,484 alleles (0.00012%); highest among the groups gnomAD compares: African/African-American, 0.0013%; no homozygotes.

Submission:

Labcorp Genetics (formerly Invitae), Labcorp
Classification: Uncertain significance. Last evaluated: 2022-06-10. Review status: criteria provided, single submitter. Criteria: Invitae Variant Classification Sherloc (09022015). Collection method: clinical testing. Allele origin: germline.
Comment: This variant is not present in population databases (gnomAD no frequency). This sequence change replaces histidine, which is basic and polar, with arginine, which is basic and polar, at codon 592 of the PLEKHM2 protein (p.His592Arg). This variant has not been reported in the literature in individuals affected with PLEKHM2-related conditions. Algorithms developed to predict the effect of missense changes on protein structure and function are either unavailable or do not agree on the potential impact of this missense change (SIFT: "Tolerated"; PolyPhen-2: "Possibly Damaging"; Align-GVGD: "Class C0"). In summary, the available evidence is currently insufficient to determine the role of this variant in disease. Therefore, it has been classified as a Variant of Uncertain Significance.